The following is an entry in ClinVar:

NM_002585.4(PBX1):c.545T>C (p.Leu182Pro)

Gene: PBX1 (PBX homeobox 1; plus strand). Cytogenetic location: 1q23.3.
Variant type: single nucleotide variant.
Coding change: c.545T>C on transcript NM_002585.4 (MANE Select); coding-DNA position 545, T replaced by C.
Protein change: p.Leu182Pro; replaces leucine 182 with proline.
Molecular consequence: missense variant.
Genome position (GRCh38, 1-based): chr1:164,799,733, T>C. VCF-style: chr1-164799733-T-C. GRCh37 (hg19) VCF-style: chr1-164768970-T-C.
Other names: c.545T>C, p.Leu182Pro (NM_001204961.2, NM_001204963.2, NM_001353131.2); c.296T>C, p.Leu99Pro (NM_001353130.1); short protein forms L182P, L99P.
Identifiers: ClinVar variation 2430588 (VCV002430588.2), dbSNP rs2526809137, ClinGen allele CA343470765.

ClinVar aggregate classification (germline): Uncertain significance (1 of 4 stars; one submission).

Submission:

GeneDx
Classification: Uncertain significance. Last evaluated: 2025-10-09. Review status: criteria provided, single submitter. Criteria: GeneDx Variant Classification Process June 2021. Collection method: clinical testing. Allele origin: germline.
Comment: Not observed at significant frequency in large population cohorts (gnomAD); In silico analysis supports that this missense variant has a deleterious effect on protein structure/function; Has not been previously published as pathogenic or benign to our knowledge